The following is an entry in ClinVar:

ClinVar aggregate classification (germline): Uncertain significance. Review status: criteria provided, multiple submitters, no conflicts (2 of 4 stars). 4 submissions from 4 submitters: Uncertain significance (3). 1 of the submissions does not count toward it. Last evaluated 2024-05-02.

Conditions:
Hereditary cancer-predisposing syndrome. Also called: Neoplastic Syndromes, Hereditary; Hereditary Cancer Syndrome; Hereditary neoplastic syndrome; Tumor predisposition. Identifiers: Orphanet 140162, MedGen C0027672, MeSH D009386, MONDO:0015356.
Microcephaly, normal intelligence and immunodeficiency (NBS). Also called: Nijmegen breakage syndrome; Microcephaly with normal intelligence immunodeficiency and lymphoreticular malignancies; Nonsyndromal microcephaly autosomal recessive with normal intelligence; Seemanova syndrome 2; Ataxia telangiectasia variant V1; BERLIN BREAKAGE SYNDROME. Identifiers: Orphanet 647, MedGen C0398791, MONDO:0009623, OMIM 251260.

Submissions (4):

Ambry Genetics
Classification: Uncertain significance for Hereditary cancer-predisposing syndrome. Last evaluated: 2024-05-02. Review status: criteria provided, single submitter. Criteria: Ambry Variant Classification Scheme 2023. Collection method: clinical testing. Allele origin: germline.
Comment: The p.V242I variant (also known as c.724G>A), located in coding exon 7 of the NBN gene, results from a G to A substitution at nucleotide position 724. The valine at codon 242 is replaced by isoleucine, an amino acid with highly similar properties. This amino acid position is not well conserved in available vertebrate species. In addition, this alteration is predicted to be tolerated by in silico analysis. Since supporting evidence is limited at this time, the clinical significance of this alteration remains unclear.

Labcorp Genetics (formerly Invitae), Labcorp
Classification: Uncertain significance for Microcephaly, normal intelligence and immunodeficiency. Last evaluated: 2023-12-31. Review status: criteria provided, single submitter. Criteria: Invitae Variant Classification Sherloc (09022015). Collection method: clinical testing. Allele origin: germline.
Comment: This sequence change replaces valine, which is neutral and non-polar, with isoleucine, which is neutral and non-polar, at codon 242 of the NBN protein (p.Val242Ile). This variant is not present in population databases (gnomAD no frequency). This variant has not been reported in the literature in individuals affected with NBN-related conditions. ClinVar contains an entry for this variant (Variation ID: 826931). Algorithms developed to predict the effect of missense changes on protein structure and function output the following: SIFT: "Not Available"; PolyPhen-2: "Benign"; Align-GVGD: "Not Available". The isoleucine amino acid residue is found in multiple mammalian species, which suggests that this missense change does not adversely affect protein function. In summary, the available evidence is currently insufficient to determine the role of this variant in disease. Therefore, it has been classified as a Variant of Uncertain Significance.

Genome-Nilou Lab
Classification: Uncertain significance for Microcephaly, normal intelligence and immunodeficiency. Last evaluated: 2021-11-07. Review status: criteria provided, single submitter. Criteria: ACMG Guidelines, 2015. Collection method: clinical testing. Allele origin: germline. Affected: no.

Natera, Inc.
Classification: Uncertain significance for Nijmegen breakage syndrome. Last evaluated: 2021-05-13. Review status: no assertion criteria provided. Collection method: clinical testing. Allele origin: germline. Not counted in ClinVar's aggregate classification.

NM_002485.5(NBN):c.724G>A (p.Val242Ile)

Gene: NBN (nibrin; minus strand). Cytogenetic location: 8q21.3.
Variant type: single nucleotide variant.
Coding change: c.724G>A on transcript NM_002485.5 (MANE Select); coding-DNA position 724, G replaced by A.
Protein change: p.Val242Ile; replaces valine 242 with isoleucine.
Molecular consequence: missense variant.
Genome position (GRCh38, 1-based): chr8:89,970,536, C>T on the plus strand (G>A on the coding strand, the complement: NBN is on the minus strand). VCF-style: chr8-89970536-C-T. GRCh37 (hg19) VCF-style: chr8-90982764-C-T.
Other names: c.478G>A, p.Val160Ile (NM_001024688.3); short protein forms V242I, V160I.
Identifiers: ClinVar variation 826931 (VCV000826931.22), dbSNP rs1434146100, ClinGen allele CA371658857.